The following is an entry in ClinVar:

NM_004562.3(PRKN):c.758G>A (p.Cys253Tyr)

Gene: PRKN (parkin RBR E3 ubiquitin protein ligase; minus strand). Cytogenetic location: 6q26.
Variant type: single nucleotide variant.
Coding change: c.758G>A on transcript NM_004562.3 (MANE Select); coding-DNA position 758, G replaced by A.
Protein change: p.Cys253Tyr; replaces cysteine 253 with tyrosine.
Molecular consequence: missense variant.
Genome position (GRCh38, 1-based): chr6:161,785,885, C>T on the plus strand (G>A on the coding strand, the complement: PRKN is on the minus strand). VCF-style: chr6-161785885-C-T. GRCh37 (hg19) VCF-style: chr6-162206917-C-T.
Other names: c.674G>A, p.Cys225Tyr (NM_013987.3); c.311G>A, p.Cys104Tyr (NM_013988.3); short protein forms C253Y, C104Y, C225Y.
Identifiers: ClinVar variation 645725 (VCV000645725.49), dbSNP rs747427602, ClinGen allele CA4090237.

ClinVar aggregate classification (germline): Pathogenic/Likely pathogenic. Review status: criteria provided, multiple submitters, no conflicts (2 of 4 stars). 7 submissions from 7 submitters: Pathogenic (5); Likely pathogenic (1). 1 of the submissions does not count toward it. Last evaluated 2025-08-15.

Conditions:
Autosomal recessive juvenile Parkinson disease 2. Also called: Parkinson disease, juvenile, type 2; PARKINSON DISEASE, JUVENILE, AUTOSOMAL RECESSIVE; Parkinson disease autosomal recessive, early onset; Juvenile parkinsonism; Parkinsonism, early onset, with diurnal fluctuation; PRKN-Related Early-Onset Parkinson Disease. Identifiers: Orphanet 2828, MedGen C1868675, MONDO:0010820, OMIM 600116.
Ovarian cancer. Also called: OVARIAN CANCER, SOMATIC. Identifiers: Orphanet 213500, MedGen C1140680, MONDO:0008170, OMIM 167000.
Lung cancer. Also called: Lung cancer, somatic; Malignant tumor of lung. Identifiers: MedGen C0242379, MONDO:0008903, OMIM 211980.
PRKN-related disorder. Also called: PRKN-related condition.

Allele frequency attached by ClinVar (database versions not stated): TOPMed below 0.00001; ExAC 0.00001; gnomAD exomes 0.00001 and 0.00002.
gnomAD v4.1: 11 of 1,614,112 alleles (0.00068%); highest among the groups gnomAD compares: Admixed American, 0.0017%; no homozygotes.

Submissions (7):

PreventionGenetics, part of Exact Sciences
Classification: Pathogenic for PRKN-related condition. Last evaluated: 2025-08-15. Review status: criteria provided, single submitter. Criteria: ACMG Guidelines, 2015. Collection method: clinical testing. Allele origin: germline.
Comment: The PRKN c.758G>A variant is predicted to result in the amino acid substitution p.Cys253Tyr. This variant has been reported in the homozygous and compound heterozygous states in multiple individuals with Parkinson disease (see for examples, Oliveira et al. 2003. PubMed ID: 12730996; Sun et al. 2006. PubMed ID: 16769863; Sironi et al. 2007. PubMed ID: 18519021; Genç et al. 2016. PubMed ID: 26830385). An alternate missense substitution affecting the same amino acid (p.Cys253Phe) has also been reported in multiple individuals with Parkinson disease (Wu et al. 2008. PubMed ID: 18554280; Figure S1A, Zhao et al. 2020. PubMed ID: 32613234; Papagiannakis et al. 2024. PubMed ID: 38357851). The c.758G>A (p.Cys253Tyr) variant is reported in 0.0029% of alleles in individuals of Latino descent in gnomAD. This variant is interpreted as pathogenic.

Labcorp Genetics (formerly Invitae), Labcorp
Classification: Pathogenic. Last evaluated: 2025-08-07. Review status: criteria provided, single submitter. Criteria: Invitae Variant Classification Sherloc (09022015). Collection method: clinical testing. Allele origin: germline.
Comment: This sequence change replaces cysteine, which is neutral and slightly polar, with tyrosine, which is neutral and polar, at codon 253 of the PRKN protein (p.Cys253Tyr). This variant is present in population databases (rs747427602, gnomAD 0.003%). This missense change has been observed in individual(s) with Parkinson disease (PMID: 16769863, 18519021, 26830385; internal data). In at least one individual the data is consistent with being in trans (on the opposite chromosome) from a pathogenic variant. It has also been observed to segregate with disease in related individuals. ClinVar contains an entry for this variant (Variation ID: 645725). Invitae Evidence Modeling of protein sequence and biophysical properties (such as structural, functional, and spatial information, amino acid conservation, physicochemical variation, residue mobility, and thermodynamic stability) indicates that this missense variant is expected to disrupt PRKN protein function with a positive predictive value of 80%. For these reasons, this variant has been classified as Pathogenic.

Fulgent Genetics
Classification: Pathogenic for Ovarian cancer; Lung cancer; Autosomal recessive juvenile Parkinson disease 2. Last evaluated: 2024-04-15. Review status: criteria provided, single submitter. Criteria: ACMG Guidelines, 2015. Collection method: clinical testing. Allele origin: germline.

Clinical Genetics Laboratory, Skane University Hospital Lund
Classification: Likely pathogenic. Last evaluated: 2022-05-27. Review status: criteria provided, single submitter. Criteria: ACMG Guidelines, 2015. Collection method: clinical testing. Allele origin: germline. Affected: yes.

CeGaT Center for Human Genetics Tuebingen
Classification: Pathogenic. Last evaluated: 2021-12-01. Review status: criteria provided, single submitter. Criteria: CeGaT Center For Human Genetics Tuebingen Variant Classification Criteria Version 2. Collection method: clinical testing. Allele origin: germline. Affected: yes. Observed: 1 variant allele.

Institute of Human Genetics Munich, TUM University Hospital
Classification: Pathogenic for Autosomal recessive juvenile Parkinson disease 2. Last evaluated: 2019-06-07. Review status: criteria provided, single submitter. Criteria: Classification criteria August 2017. Collection method: clinical testing. Allele origin: germline. Inheritance: Autosomal recessive inheritance. Affected: yes. Observed: 1 compound heterozygote.

Solve-RD Consortium
Classification: Likely pathogenic for Ovarian cancer. Last evaluated: 2022-06-01. Review status: no assertion criteria provided. Collection method: provider interpretation. Allele origin: inherited. Affected: yes. Not counted in ClinVar's aggregate classification.
Comment: Variant confirmed as disease-causing by referring clinical team

Variant identified during reanalysis of unsolved cases by the Solve-RD project. The Solve-RD project has received funding from the European Union’s Horizon 2020 research and innovation programme under grant agreement No 779257.

Literature cited by the submitters: PubMed 16769863 (cited by Labcorp Genetics (formerly Invitae), Labcorp); PubMed 18519021 (cited by Labcorp Genetics (formerly Invitae), Labcorp); PubMed 26830385 (cited by Labcorp Genetics (formerly Invitae), Labcorp); PubMed 39825153 (cited by Solve-RD Consortium).